The following is an entry in ClinVar:

NM_005573.4(LMNB1):c.*54A>T

Gene: LMNB1 (lamin B1; plus strand). Cytogenetic location: 5q23.2.
Variant type: single nucleotide variant.
Coding change: c.*54A>T on transcript NM_005573.4 (MANE Select); 54 bases downstream of the stop codon, A replaced by T.
Molecular consequence: 3 prime UTR variant. On other transcripts: non-coding transcript variant (1).
Genome position (GRCh38, 1-based): chr5:126,836,318, A>T. VCF-style: chr5-126836318-A-T. GRCh37 (hg19) VCF-style: chr5-126172010-A-T.
Other names: NC_000005.9:g.126172010A>T; c.*54A>T (NM_001198557.2).
Identifiers: ClinVar variation 905851 (VCV000905851.36), dbSNP rs370551700, ClinGen allele CA126939642.

ClinVar aggregate classification (germline): Conflicting classifications of pathogenicity. Review status: criteria provided, conflicting classifications (1 of 4 stars). 2 submissions from 2 submitters: Uncertain significance (1); Benign (1). Last evaluated 2023-01-01.

Conditions:
Adult-onset autosomal dominant demyelinating leukodystrophy. Identifiers: Orphanet 99027, MedGen C1868512, MONDO:0008215.

Allele frequency attached by ClinVar (database versions not stated): gnomAD 0.00096 and 0.00099; TOPMed 0.00099; ESP Exome Variant Server 0.00132.
gnomAD v4.1: 1,764 of 1,190,782 alleles (0.15%); highest among the groups gnomAD compares: Non-Finnish European, 0.21%; 3 homozygotes.

Submissions (4):

CeGaT Center for Human Genetics Tuebingen
Classification: Benign. Last evaluated: 2023-01-01. Review status: criteria provided, single submitter. Criteria: CeGaT Center For Human Genetics Tuebingen Variant Classification Criteria Version 2. Collection method: clinical testing. Allele origin: germline. Affected: yes. Observed: 5 variant alleles.
Comment: LMNB1: BS1, BS2

Illumina Laboratory Services, Illumina
Classification: Uncertain significance for Leukodystrophy, demyelinating, adult-onset, autosomal dominant, typical. Last evaluated: 2018-01-13. Review status: criteria provided, single submitter. Criteria: ICSL Variant Classification Criteria 13 December 2019. Collection method: clinical testing. Allele origin: germline.

Dr. Peter K. Rogan Lab, Western University
No classification provided (evidence only). Condition: Cervical cancer. Review status: no classification provided. Collection method: in vitro. Allele origin: not applicable. Functional consequence: retained intron. Not counted in ClinVar's aggregate classification.

Dr. Peter K. Rogan Lab, Western University
No classification provided (evidence only). Condition: Cervical cancer. Review status: no classification provided. Collection method: in vitro. Allele origin: not applicable. Functional consequence: retained intron. Not counted in ClinVar's aggregate classification.